The following is an entry in ClinVar:

ClinVar aggregate classification (germline): Uncertain significance (1 of 4 stars; one submission).

Conditions:
ATP2B2-related disorder. Also called: ATP2B2-related condition.

gnomAD v4.1: 53 of 1,613,712 alleles (0.0033%); highest among the groups gnomAD compares: East Asian, 0.074%; no homozygotes.

Submission:

PreventionGenetics, part of Exact Sciences
Classification: Uncertain significance for ATP2B2-related condition. Last evaluated: 2026-07-26. Review status: criteria provided, single submitter. Criteria: ACMG Guidelines, 2015. Collection method: clinical testing. Allele origin: germline.
Comment: The ATP2B2 c.953C>T variant is predicted to result in the amino acid substitution p.Ala318Val. To our knowledge, this variant has not been reported in the literature. This variant is reported in 0.038% of alleles in individuals of East Asian descent in gnomAD. Although we suspect that this variant may be benign, at this time, the clinical significance of this variant is uncertain due to the absence of conclusive functional and genetic evidence.

NM_001001331.4(ATP2B2):c.953C>T (p.Ala318Val)

Gene: ATP2B2 (ATPase plasma membrane Ca2+ transporting 2; minus strand). Cytogenetic location: 3p25.3.
Variant type: single nucleotide variant.
Coding change: c.953C>T on transcript NM_001001331.4 (MANE Select); coding-DNA position 953, C replaced by T.
Protein change: p.Ala318Val; replaces alanine 318 with valine.
Molecular consequence: missense variant. On other transcripts: intron variant (6).
Genome position (GRCh38, 1-based): chr3:10,385,315, G>A on the plus strand (C>T on the coding strand, the complement: ATP2B2 is on the minus strand). VCF-style: chr3-10385315-G-A. GRCh37 (hg19) VCF-style: chr3-10426999-G-A.
Other names: c.907+2962C>T (NM_001438036.1, NM_001353564.1, NM_001683.5 and 3 more transcripts); short protein forms A318V.
Identifiers: ClinVar variation 4977420 (VCV004977420.1).